The following is an entry in ClinVar:

ClinVar aggregate classification (germline): Uncertain significance (1 of 4 stars; one submission).

Allele frequency attached by ClinVar (database versions not stated): gnomAD 0.00005; TOPMed 0.00006; gnomAD exomes 0.00009; ExAC 0.00010; ESP Exome Variant Server 0.00015.
gnomAD v4.1: 73 of 1,612,014 alleles (0.0045%); highest among the groups gnomAD compares: Admixed American, 0.0017%; no homozygotes.

Submission:

Labcorp Genetics (formerly Invitae), Labcorp
Classification: Uncertain significance. Last evaluated: 2024-08-12. Review status: criteria provided, single submitter. Criteria: Invitae Variant Classification Sherloc (09022015). Collection method: clinical testing. Allele origin: germline.
Comment: This sequence change falls in intron 30 of the DSCAML1 gene. It does not directly change the encoded amino acid sequence of the DSCAML1 protein. It affects a nucleotide within the consensus splice site. This variant is present in population databases (rs376201562, gnomAD 0.2%), and has an allele count higher than expected for a pathogenic variant. This variant has not been reported in the literature in individuals affected with DSCAML1-related conditions. ClinVar contains an entry for this variant (Variation ID: 1436954). Variants that disrupt the consensus splice site are a relatively common cause of aberrant splicing (PMID: 17576681, 9536098). Algorithms developed to predict the effect of sequence changes on RNA splicing suggest that this variant is not likely to affect RNA splicing. In summary, the available evidence is currently insufficient to determine the role of this variant in disease. Therefore, it has been classified as a Variant of Uncertain Significance.

Literature cited by the submitters: PubMed 17576681; PubMed 9536098.

NM_020693.4(DSCAML1):c.5179+6C>T

Gene: DSCAML1 (DS cell adhesion molecule like 1; minus strand). Cytogenetic location: 11q23.3.
Variant type: single nucleotide variant.
Coding change: c.5179+6C>T on transcript NM_020693.4 (MANE Select); 6 bases into the intron after coding-DNA position 5179, C replaced by T.
Molecular consequence: intron variant.
Genome position (GRCh38, 1-based): chr11:117,432,346, G>A on the plus strand (C>T on the coding strand, the complement: DSCAML1 is on the minus strand). VCF-style: chr11-117432346-G-A. GRCh37 (hg19) VCF-style: chr11-117303062-G-A.
Identifiers: ClinVar variation 1436954 (VCV001436954.7), dbSNP rs376201562, ClinGen allele CA6296146.